The following is an entry in ClinVar:

ClinVar aggregate classification (germline): Likely pathogenic (1 of 4 stars; one submission).

Conditions:
Retinitis pigmentosa 25 (RP25). Identifiers: Orphanet 791, MedGen C1864446, MONDO:0011272, OMIM 602772.

Submission:

Natera, Inc.
Classification: Likely pathogenic for Retinitis pigmentosa type 25. Last evaluated: 2025-03-13. Review status: criteria provided, single submitter. Criteria: Natera Variant Classification Schema (03/2026). Collection method: clinical testing. Allele origin: germline.
Comment: The c.6687_6691del variant in EYS is a frameshift variant predicted to shift the reading frame and introduce a stop codon. This variant is expected to result in nonsense mediated decay, truncation, or a dysfunctional protein product. This variant is rare in the general population with a frequency below the threshold expected for the associated phenotype(s). Given the available evidence, this variant is classified as Likely Pathogenic.

NM_001142800.2(EYS):c.6687_6691del (p.Tyr2229_Ser2230insTer)

Gene: EYS (EGF-like photoreceptor maintenance factor; minus strand). Cytogenetic location: 6q12.
Variant type: Deletion.
Coding change: c.6687_6691del on transcript NM_001142800.2 (MANE Select); coding-DNA positions 6687 to 6691, 5 bases deleted (CAGCA; older notation c.6687_6691delCAGCA).
Protein change: p.Tyr2229_Ser2230insTer.
Molecular consequence: frameshift variant.
Genome position (GRCh38, 1-based): chr6:64,066,372-64,066,376, TGCTG deleted on the plus strand (CAGCA on the coding strand, the reverse complement: EYS is on the minus strand); deleting any 5 consecutive bases within chr6:64,066,372-64,066,377 gives the same sequence; the c. name uses the placement nearest the transcript's 3' end. VCF-style (leftmost placement, unchanged base first): chr6-64066371-ATGCTG-A. GRCh37 (hg19) VCF-style: chr6-64776264-ATGCTG-A.
Other names: c.6687_6691del, p.Tyr2229_Ser2230insTer (NM_001292009.2).
Identifiers: ClinVar variation 4067686 (VCV004067686.2).